The following is an entry in ClinVar:

NM_004284.6(CHD1L):c.2295A>G (p.Ile765Met)

Gene: CHD1L (chromodomain helicase DNA binding protein 1 like; plus strand). Cytogenetic location: 1q21.1.
Variant type: single nucleotide variant.
Coding change: c.2295A>G on transcript NM_004284.6 (MANE Select); coding-DNA position 2295, A replaced by G.
Protein change: p.Ile765Met; replaces isoleucine 765 with methionine.
Molecular consequence: missense variant. On other transcripts: non-coding transcript variant (16).
Genome position (GRCh38, 1-based): chr1:147,287,708, A>G. VCF-style: chr1-147287708-A-G. GRCh37 (hg19) VCF-style: chr1-146759387-A-G.
Other names: c.1995A>G, p.Ile665Met (NM_001256336.3); c.1452A>G, p.Ile484Met (NM_001256337.3, NM_001348456.2, NM_001348457.2 and 9 more transcripts); c.1683A>G, p.Ile561Met (NM_001256338.3); c.2079A>G, p.Ile693Met (NM_001348451.2, NM_001348452.2); c.1956A>G, p.Ile652Met (NM_001348453.2, NM_024568.4); c.1839A>G, p.Ile613Met (NM_001348454.2); c.1806A>G, p.Ile602Met (NM_001348455.2); c.2295A>G (NM_004284.4); short protein forms I484M, I561M, I602M, I613M, I652M, I665M, I693M, I765M.
Identifiers: ClinVar variation 1627144 (VCV001627144.23), dbSNP rs148289715, ClinGen allele CA501244.

ClinVar aggregate classification (germline): Likely benign. Review status: criteria provided, multiple submitters, no conflicts (2 of 4 stars). 3 submissions from 3 submitters: Likely benign (2). 1 of the submissions does not count toward it. Last evaluated 2025-10-01.

Conditions:
CHD1L-related disorder. Also called: CHD1L-related condition.

Allele frequency attached by ClinVar (database versions not stated): 1000 Genomes Project 0.00060; 1000 Genomes Project 30x 0.00078; ExAC 0.00160; gnomAD exomes 0.00168; gnomAD 0.00195 and 0.00203; TOPMed 0.00229; ESP Exome Variant Server 0.00246.
gnomAD v4.1: 4,694 of 1,614,062 alleles (0.29%); highest among the groups gnomAD compares: Non-Finnish European, 0.36%; 11 homozygotes.

Submissions (23):

CeGaT Center for Human Genetics Tuebingen
Classification: Likely benign. Last evaluated: 2025-10-01. Review status: criteria provided, single submitter. Criteria: CeGaT Center For Human Genetics Tuebingen Variant Classification Criteria Version 2. Collection method: clinical testing. Allele origin: germline. Affected: yes. Observed: 2 variant alleles.
Comment: CHD1L: BP4, BS2

Labcorp Genetics (formerly Invitae), Labcorp
Classification: Likely benign. Last evaluated: 2021-10-04. Review status: criteria provided, single submitter. Criteria: Invitae Variant Classification Sherloc (09022015). Collection method: clinical testing. Allele origin: germline.

PreventionGenetics, part of Exact Sciences
Classification: Likely benign for CHD1L-related condition. Last evaluated: 2021-07-14. Review status: no assertion criteria provided. Collection method: clinical testing. Allele origin: germline. Not counted in ClinVar's aggregate classification.
Comment: This variant is classified as likely benign based on ACMG/AMP sequence variant interpretation guidelines (Richards et al. 2015 PMID: 25741868, with internal and published modifications).

Dr. Peter K. Rogan Lab, Western University
No classification provided (evidence only). Condition: Malignant tumor of urinary bladder. Review status: no classification provided. Collection method: in vitro. Allele origin: not applicable. Functional consequence: retained intron. Not counted in ClinVar's aggregate classification.

Dr. Peter K. Rogan Lab, Western University
No classification provided (evidence only). Condition: Clear cell carcinoma of kidney. Review status: no classification provided. Collection method: in vitro. Allele origin: not applicable. Functional consequence: retained intron. Not counted in ClinVar's aggregate classification.

Dr. Peter K. Rogan Lab, Western University
No classification provided (evidence only). Condition: Clear cell carcinoma of kidney. Review status: no classification provided. Collection method: in vitro. Allele origin: not applicable. Functional consequence: retained intron. Not counted in ClinVar's aggregate classification.

Dr. Peter K. Rogan Lab, Western University
No classification provided (evidence only). Condition: Lung cancer. Review status: no classification provided. Collection method: in vitro. Allele origin: not applicable. Functional consequence: retained intron. Not counted in ClinVar's aggregate classification.

Dr. Peter K. Rogan Lab, Western University
No classification provided (evidence only). Condition: Melanoma. Review status: no classification provided. Collection method: in vitro. Allele origin: not applicable. Functional consequence: retained intron. Not counted in ClinVar's aggregate classification.

Dr. Peter K. Rogan Lab, Western University
No classification provided (evidence only). Condition: Familial cancer of breast. Review status: no classification provided. Collection method: in vitro. Allele origin: not applicable. Functional consequence: retained intron. Not counted in ClinVar's aggregate classification.

Dr. Peter K. Rogan Lab, Western University
No classification provided (evidence only). Condition: Familial cancer of breast. Review status: no classification provided. Collection method: in vitro. Allele origin: not applicable. Functional consequence: retained intron. Not counted in ClinVar's aggregate classification.

Dr. Peter K. Rogan Lab, Western University
No classification provided (evidence only). Condition: Familial cancer of breast. Review status: no classification provided. Collection method: in vitro. Allele origin: not applicable. Functional consequence: retained intron. Not counted in ClinVar's aggregate classification.

Dr. Peter K. Rogan Lab, Western University
No classification provided (evidence only). Condition: Familial cancer of breast. Review status: no classification provided. Collection method: in vitro. Allele origin: not applicable. Functional consequence: retained intron. Not counted in ClinVar's aggregate classification.

Dr. Peter K. Rogan Lab, Western University
No classification provided (evidence only). Condition: Colon adenocarcinoma. Review status: no classification provided. Collection method: in vitro. Allele origin: not applicable. Functional consequence: retained intron. Not counted in ClinVar's aggregate classification.

Dr. Peter K. Rogan Lab, Western University
No classification provided (evidence only). Condition: Thyroid cancer, nonmedullary, 1. Review status: no classification provided. Collection method: in vitro. Allele origin: not applicable. Functional consequence: retained intron. Not counted in ClinVar's aggregate classification.

Dr. Peter K. Rogan Lab, Western University
No classification provided (evidence only). Condition: Cervical cancer. Review status: no classification provided. Collection method: in vitro. Allele origin: not applicable. Functional consequence: retained intron. Not counted in ClinVar's aggregate classification.

Dr. Peter K. Rogan Lab, Western University
No classification provided (evidence only). Condition: Sarcoma. Review status: no classification provided. Collection method: in vitro. Allele origin: not applicable. Functional consequence: retained intron. Not counted in ClinVar's aggregate classification.

Dr. Peter K. Rogan Lab, Western University
No classification provided (evidence only). Condition: Hepatocellular carcinoma. Review status: no classification provided. Collection method: in vitro. Allele origin: not applicable. Functional consequence: retained intron. Not counted in ClinVar's aggregate classification.

Dr. Peter K. Rogan Lab, Western University
No classification provided (evidence only). Condition: Thymoma. Review status: no classification provided. Collection method: in vitro. Allele origin: not applicable. Functional consequence: retained intron. Not counted in ClinVar's aggregate classification.

Dr. Peter K. Rogan Lab, Western University
No classification provided (evidence only). Condition: Thymoma. Review status: no classification provided. Collection method: in vitro. Allele origin: not applicable. Functional consequence: retained intron. Not counted in ClinVar's aggregate classification.

Dr. Peter K. Rogan Lab, Western University
No classification provided (evidence only). Condition: Ovarian serous cystadenocarcinoma. Review status: no classification provided. Collection method: in vitro. Allele origin: not applicable. Functional consequence: retained intron. Not counted in ClinVar's aggregate classification.

Dr. Peter K. Rogan Lab, Western University
No classification provided (evidence only). Condition: Gastric cancer. Review status: no classification provided. Collection method: in vitro. Allele origin: not applicable. Functional consequence: retained intron. Not counted in ClinVar's aggregate classification.

Dr. Peter K. Rogan Lab, Western University
No classification provided (evidence only). Condition: Gastric cancer. Review status: no classification provided. Collection method: in vitro. Allele origin: not applicable. Functional consequence: retained intron. Not counted in ClinVar's aggregate classification.

Dr. Peter K. Rogan Lab, Western University
No classification provided (evidence only). Condition: Uveal melanoma. Review status: no classification provided. Collection method: in vitro. Allele origin: not applicable. Functional consequence: retained intron. Not counted in ClinVar's aggregate classification.